The following is an entry in ClinVar:

ClinVar aggregate classification (germline): Uncertain significance (1 of 4 stars; one submission).

Conditions:
Inborn genetic diseases. Identifiers: MedGen C0950123, MeSH D030342.

Submission:

Ambry Genetics
Classification: Uncertain significance for Inborn genetic diseases. Last evaluated: 2025-06-01. Review status: criteria provided, single submitter. Criteria: Ambry Variant Classification Scheme 2023. Collection method: clinical testing. Allele origin: germline.
Comment: The p.K288N variant (also known as c.864G>C), located in coding exon 4 of the FANCM gene, results from a G to C substitution at nucleotide position 864. The lysine at codon 288 is replaced by asparagine, an amino acid with similar properties. This amino acid position is conserved. In addition, this alteration is predicted to be tolerated by in silico analysis. Based on the available evidence, the clinical significance of this variant remains unclear.

NM_020937.4(FANCM):c.864G>C (p.Lys288Asn)

Gene: FANCM (FA complementation group M; plus strand). Cytogenetic location: 14q21.2.
Variant type: single nucleotide variant.
Coding change: c.864G>C on transcript NM_020937.4 (MANE Select); coding-DNA position 864, G replaced by C.
Protein change: p.Lys288Asn; replaces lysine 288 with asparagine.
Molecular consequence: missense variant.
Genome position (GRCh38, 1-based): chr14:45,148,941, G>C. VCF-style: chr14-45148941-G-C. GRCh37 (hg19) VCF-style: chr14-45618144-G-C.
Other names: c.786G>C, p.Lys262Asn (NM_001308133.2); c.864G>C, p.Lys288Asn (NM_001308134.2); short protein forms K288N, K262N.
Identifiers: ClinVar variation 4022843 (VCV004022843.1).